The following is an entry in ClinVar:

NM_005422.4(TECTA):c.6349G>A (p.Asp2117Asn)

Genes: TBCEL-TECTA (TBCEL-TECTA readthrough; plus strand), TECTA (tectorin alpha; plus strand). Cytogenetic location: 11q23.3.
Variant type: single nucleotide variant.
Coding change: c.6349G>A on transcript NM_005422.4 (MANE Select); coding-DNA position 6349, G replaced by A.
Protein change: p.Asp2117Asn; replaces aspartic acid 2117 with asparagine.
Molecular consequence: missense variant.
Genome position (GRCh38, 1-based): chr11:121,189,862, G>A. VCF-style: chr11-121189862-G-A. GRCh37 (hg19) VCF-style: chr11-121060571-G-A.
Other names: c.7291G>A, p.Asp2431Asn (NM_001378761.1); short protein forms D2117N, D2431N.
Identifiers: ClinVar variation 5001385 (VCV005001385.1).

ClinVar aggregate classification (germline): Uncertain significance (1 of 4 stars; one submission).

Conditions:
TECTA-related disorder. Also called: TECTA-related condition.

gnomAD v4.1: 3 of 1,613,090 alleles (0.00019%); highest among the groups gnomAD compares: African/African-American, 0.004%; no homozygotes.

Submission:

PreventionGenetics, part of Exact Sciences
Classification: Uncertain significance for TECTA-related condition. Last evaluated: 2026-04-09. Review status: criteria provided, single submitter. Criteria: ACMG Guidelines, 2015. Collection method: clinical testing. Allele origin: germline.
Comment: The TECTA c.6349G>A variant is predicted to result in the amino acid substitution p.Asp2117Asn. To our knowledge, this variant has not been reported in the literature. This variant is reported in 0.012% of alleles in individuals of African descent in gnomAD. At this time, the clinical significance of this variant is uncertain due to the absence of conclusive functional and genetic evidence.